The following is an entry in ClinVar:

NM_006031.6(PCNT):c.9106dup (p.Met3036fs)

Gene: PCNT (pericentrin; plus strand). Cytogenetic location: 21q22.3.
Variant type: Duplication.
Coding change: c.9106dup on transcript NM_006031.6 (MANE Select); coding-DNA position 9106, one base duplicated (A; older notation c.9106dupA).
Protein change: p.Met3036fs; shifts the reading frame from methionine 3036.
Molecular consequence: frameshift variant.
Genome position (GRCh38, 1-based): chr21:46,438,170, A duplicated; the last of 7 consecutive A bases (chr21:46,438,164-46,438,170); duplicating any one gives the same sequence. VCF-style (leftmost placement, unchanged base first): chr21-46438163-G-GA. GRCh37 (hg19) VCF-style: chr21-47858076-G-GA.
Other names: c.8515dup, p.Met2839fs (NM_001315529.2); short protein forms M2839fs, M3036fs.
Identifiers: ClinVar variation 3348455 (VCV003348455.1).

ClinVar aggregate classification (germline): Likely pathogenic (0 of 4 stars; one submission).

Conditions:
PCNT-related disorder. Also called: PCNT-related condition.

Submission:

PreventionGenetics, part of Exact Sciences
Classification: Likely pathogenic for PCNT-related condition. Last evaluated: 2023-11-14. Review status: no assertion criteria provided. Collection method: clinical testing. Allele origin: germline.
Comment: The PCNT c.9106dupA variant is predicted to result in a frameshift and premature protein termination (p.Met3036Asnfs*40). To our knowledge, this variant has not been reported in the literature or in a large population database, indicating this variant is rare. Frameshift variants in PCNT are expected to be pathogenic. This variant is interpreted as likely pathogenic.